The following is an entry in ClinVar:

NM_017617.5(NOTCH1):c.7338G>A (p.Leu2446=)

Gene: NOTCH1 (notch receptor 1; minus strand). Cytogenetic location: 9q34.3.
Variant type: single nucleotide variant.
Coding change: c.7338G>A on transcript NM_017617.5 (MANE Select); coding-DNA position 7338, G replaced by A.
Protein change: p.Leu2446=; no amino-acid change (leucine 2446 retained).
Molecular consequence: synonymous variant.
Genome position (GRCh38, 1-based): chr9:136,496,401, C>T on the plus strand (G>A on the coding strand, the complement: NOTCH1 is on the minus strand). VCF-style: chr9-136496401-C-T. GRCh37 (hg19) VCF-style: chr9-139390853-C-T.
Other names: p.Leu2446=; c.7338G>A, p.Leu2446= (LRG_1122t1); c.7338G>A (NM_017617.4).
Identifiers: ClinVar variation 241167 (VCV000241167.24), dbSNP rs35320927, ClinGen allele CA5339694.
Genomic context (GRCh38, chr9:136,496,401, plus strand): 5'-CGTGGGCAGGGCGGGGCTCTCCTGGGGCAGAATAGTGTGCACCGCCAGGCTGCTGGGGCC[C>T]AGTGGCTGCACGTCTGCCTGGCTCGGCTCTCCACTCAGGAAGCTCCGGCCCAGGTGGCCG-3'
Protein context (NP_060087.3, residues 2436-2456): GEPSQADVQP[Leu2446=]GPSSLAVHTI

ClinVar aggregate classification (germline): Benign/Likely benign. Review status: criteria provided, multiple submitters, no conflicts (2 of 4 stars). 11 submissions from 10 submitters: Benign (7); Likely benign (3). 1 of the submissions does not count toward it. Last evaluated 2026-01-31.

Conditions:
NOTCH1-related disorder. Also called: NOTCH1-related disorders; NOTCH1-related condition.
Adams-Oliver syndrome 5 (AOS5). Identifiers: Orphanet 974, MedGen C4014970, MONDO:0014459, OMIM 616028.
Aortic valve disease 1 (AOVD1). Identifiers: MedGen C3887892, MONDO:0024523, OMIM 109730.
Familial thoracic aortic aneurysm and aortic dissection (TAAD). Also called: Thoracic aortic aneurysms and dissections. Identifiers: Orphanet 91387, MedGen C4707243, MONDO:0019625.

Allele frequency attached by ClinVar (database versions not stated): gnomAD exomes 0.00027 and 0.00067; ExAC 0.00099; 1000 Genomes Project 30x 0.00234; 1000 Genomes Project 0.00260; gnomAD 0.00277 and 0.00289; ESP Exome Variant Server 0.00293; TOPMed 0.00301.
gnomAD v4.1: 848 of 1,599,042 alleles (0.053%); highest among the groups gnomAD compares: African/African-American, 0.97%; 8 homozygotes.

Submissions (11):

Labcorp Genetics (formerly Invitae), Labcorp
Classification: Benign for Adams-Oliver syndrome 5. Last evaluated: 2026-01-31. Review status: criteria provided, single submitter. Criteria: Invitae Variant Classification Sherloc (09022015). Collection method: clinical testing. Allele origin: germline.

Blueprint Genetics
Classification: Likely benign. Last evaluated: 2024-11-27. Review status: criteria provided, single submitter. Criteria: ACMG Guidelines, 2015. Collection method: clinical testing. Allele origin: germline.

Women's Health and Genetics/Laboratory Corporation of America, LabCorp
Classification: Benign. Last evaluated: 2023-07-21. Review status: criteria provided, single submitter. Criteria: LabCorp Variant Classification Summary - May 2015. Collection method: clinical testing. Allele origin: germline.

CHEO Genetics Diagnostic Laboratory, Children's Hospital of Eastern Ontario
Classification: Benign for Familial thoracic aortic aneurysm and aortic dissection. Last evaluated: 2022-11-17. Review status: criteria provided, single submitter. Criteria: ACMG Guidelines, 2015. Collection method: clinical testing. Allele origin: germline.

Genome-Nilou Lab
Classification: Benign for Adams-Oliver syndrome 5. Last evaluated: 2022-03-15. Review status: criteria provided, single submitter. Criteria: ACMG Guidelines, 2015. Collection method: clinical testing. Allele origin: germline. Affected: no.

Genome-Nilou Lab
Classification: Benign for Aortic valve disease 1. Last evaluated: 2022-03-15. Review status: criteria provided, single submitter. Criteria: ACMG Guidelines, 2015. Collection method: clinical testing. Allele origin: germline. Affected: no.

Mayo Clinic Laboratories, Mayo Clinic
Classification: Benign. Last evaluated: 2019-11-12. Review status: criteria provided, single submitter. Criteria: ACMG Guidelines, 2015. Collection method: clinical testing. Allele origin: germline. Observed: 3 variant alleles.

GeneDx
Classification: Benign. Last evaluated: 2017-07-14. Review status: criteria provided, single submitter. Criteria: GeneDx Variant Classification (06012015). Collection method: clinical testing. Allele origin: germline. Affected: yes.
Comment: This variant is considered likely benign or benign based on one or more of the following criteria: it is a conservative change, it occurs at a poorly conserved position in the protein, it is predicted to be benign by multiple in silico algorithms, and/or has population frequency not consistent with disease.

Ambry Genetics
Classification: Likely benign for Familial thoracic aortic aneurysm and aortic dissection. Last evaluated: 2016-03-17. Review status: criteria provided, single submitter. Criteria: Ambry Variant Classification Scheme 2023. Collection method: clinical testing. Allele origin: germline.

Breakthrough Genomics
Classification: Likely benign. Review status: criteria provided, single submitter. Criteria: ACMG Guidelines, 2015. Collection method: not provided. Allele origin: germline. Inheritance: Autosomal dominant inheritance. Affected: yes.

PreventionGenetics, part of Exact Sciences
Classification: Benign for NOTCH1-related condition. Last evaluated: 2019-08-09. Review status: no assertion criteria provided. Collection method: clinical testing. Allele origin: germline. Not counted in ClinVar's aggregate classification.
Comment: This variant is classified as benign based on ACMG/AMP sequence variant interpretation guidelines (Richards et al. 2015 PMID: 25741868, with internal and published modifications).

Literature cited by the submitters: PubMed 24943832 (cited by Women's Health and Genetics/Laboratory Corporation of America, LabCorp); PubMed 16614245 (cited by Women's Health and Genetics/Laboratory Corporation of America, LabCorp); PubMed 21670202 (cited by Women's Health and Genetics/Laboratory Corporation of America, LabCorp); PubMed 22210878 (cited by Women's Health and Genetics/Laboratory Corporation of America, LabCorp); PubMed 19635999 (cited by Women's Health and Genetics/Laboratory Corporation of America, LabCorp); PubMed 26837699 (cited by Women's Health and Genetics/Laboratory Corporation of America, LabCorp); PubMed 23086750 (cited by Women's Health and Genetics/Laboratory Corporation of America, LabCorp); PubMed 19245433 (cited by Women's Health and Genetics/Laboratory Corporation of America, LabCorp); PubMed 22077063 (cited by Women's Health and Genetics/Laboratory Corporation of America, LabCorp); PubMed 15472075 (cited by Women's Health and Genetics/Laboratory Corporation of America, LabCorp); PubMed 23734977 (cited by Women's Health and Genetics/Laboratory Corporation of America, LabCorp); PubMed 22858860 (cited by Women's Health and Genetics/Laboratory Corporation of America, LabCorp).